The following is an entry in ClinVar:

NM_177924.5(ASAH1):c.53G>C (p.Cys18Ser)

Gene: ASAH1 (N-acylsphingosine amidohydrolase 1; minus strand). Cytogenetic location: 8p22.
Variant type: single nucleotide variant.
Coding change: c.53G>C on transcript NM_177924.5 (MANE Select); coding-DNA position 53, G replaced by C.
Protein change: p.Cys18Ser; replaces cysteine 18 with serine.
Molecular consequence: missense variant. On other transcripts: intron variant (2).
Genome position (GRCh38, 1-based): chr8:18,084,006, C>G on the plus strand (G>C on the coding strand, the complement: ASAH1 is on the minus strand). VCF-style: chr8-18084006-C-G. GRCh37 (hg19) VCF-style: chr8-17941515-C-G.
Other names: c.126+670G>C (NM_004315.6, NM_001127505.3); short protein forms C18S.
Identifiers: ClinVar variation 810261 (VCV000810261.48), dbSNP rs757451541, ClinGen allele CA4651119.

ClinVar aggregate classification (germline): Uncertain significance. Review status: criteria provided, multiple submitters, no conflicts (2 of 4 stars). 2 submissions from 2 submitters: Uncertain significance (2). Last evaluated 2022-03-22.

Allele frequency attached by ClinVar (database versions not stated): gnomAD exomes below 0.00001; ExAC 0.00001.
gnomAD v4.1: 1 of 1,598,324 alleles (0.000063%); highest among the groups gnomAD compares: Non-Finnish European, 0.000085%; no homozygotes.

Submissions (2):

Labcorp Genetics (formerly Invitae), Labcorp
Classification: Uncertain significance. Last evaluated: 2022-03-22. Review status: criteria provided, single submitter. Criteria: Invitae Variant Classification Sherloc (09022015). Collection method: clinical testing. Allele origin: germline.
Comment: This sequence change replaces cysteine, which is neutral and slightly polar, with serine, which is neutral and polar, at codon 18 of the ASAH1 protein (p.Cys18Ser). This variant is present in population databases (rs757451541, gnomAD 0.001%). This variant has not been reported in the literature in individuals affected with ASAH1-related conditions. In summary, the available evidence is currently insufficient to determine the role of this variant in disease. Therefore, it has been classified as a Variant of Uncertain Significance. ClinVar contains an entry for this variant (Variation ID: 810261). Algorithms developed to predict the effect of missense changes on protein structure and function are either unavailable or do not agree on the potential impact of this missense change (SIFT: "Tolerated"; PolyPhen-2: "Possibly Damaging"; Align-GVGD: "Class C0").

CeGaT Center for Human Genetics Tuebingen
Classification: Uncertain significance. Last evaluated: 2018-03-01. Review status: criteria provided, single submitter. Criteria: CeGaT Center For Human Genetics Tuebingen Variant Classification Criteria Version 2. Collection method: clinical testing. Allele origin: germline. Affected: yes. Observed: 1 variant allele.